The following is an entry in ClinVar:

ClinVar aggregate classification (germline): Conflicting classifications of pathogenicity. Review status: criteria provided, conflicting classifications (1 of 4 stars). 6 submissions from 6 submitters: Uncertain significance (5); Likely benign (1). Last evaluated 2025-06-16.

Conditions:
Hereditary cancer-predisposing syndrome. Also called: Neoplastic Syndromes, Hereditary; Hereditary Cancer Syndrome; Tumor predisposition; Hereditary neoplastic syndrome. Identifiers: Orphanet 140162, MedGen C0027672, MeSH D009386, MONDO:0015356.
Hereditary breast ovarian cancer syndrome. Also called: Hereditary breast and ovarian cancer syndrome (HBOC); Hereditary breast and ovarian cancer; Breast and ovarian cancer; BRCA1- and BRCA2-Associated Hereditary Breast and Ovarian Cancer; Hereditary breast and ovarian cancer syndrome; Hereditary breast and/or ovarian cancer syndrome. Identifiers: Orphanet 145, MedGen C0677776, MeSH D061325, MONDO:0003582. Disease mechanism: loss of function.

Submissions (6):

GeneDx
Classification: Uncertain significance. Last evaluated: 2025-06-16. Review status: criteria provided, single submitter. Criteria: GeneDx Variant Classification Process June 2021. Collection method: clinical testing. Allele origin: germline. Affected: yes.
Comment: Not observed at significant frequency in large population cohorts (gnomAD); In silico analysis supports that this missense variant has a deleterious effect on protein structure/function; Has not been previously published as pathogenic or benign to our knowledge; Also known as 3704T>A

Quest Diagnostics Nichols Institute San Juan Capistrano
Classification: Uncertain significance. Last evaluated: 2025-05-14. Review status: criteria provided, single submitter. Criteria: Quest Diagnostics criteria. Collection method: clinical testing. Allele origin: unknown.
Comment: The BRCA1 c.3585T>A (p.His1195Gln) variant has been reported in the published literature to be located in a region of the BRCA1 gene that is tolerant to missense sequence changes (PMID: 31911673 (2020)). To the best of our knowledge, this variant has not been reported in individuals with BRCA1-related disorders. This variant has not been reported in large, multi-ethnic general populations (Genome Aggregation Database). Analysis of this variant using bioinformatics tools for the prediction of the effect of amino acid changes on protein structure and function yielded predictions that this variant is benign. Based on the available information, we are unable to determine the clinical significance of this variant.

Ambry Genetics
Classification: Uncertain significance for Hereditary cancer-predisposing syndrome. Last evaluated: 2024-11-02. Review status: criteria provided, single submitter. Criteria: Ambry Variant Classification Scheme 2023. Collection method: clinical testing. Allele origin: germline.
Comment: The p.H1195Q variant (also known as c.3585T>A), located in coding exon 9 of the BRCA1 gene, results from a T to A substitution at nucleotide position 3585. The histidine at codon 1195 is replaced by glutamine, an amino acid with highly similar properties. This amino acid position is not well conserved in available vertebrate species. In addition, the in silico prediction for this alteration is inconclusive. Since supporting evidence is limited at this time, the clinical significance of this alteration remains unclear.

Labcorp Genetics (formerly Invitae), Labcorp
Classification: Uncertain significance for Hereditary breast ovarian cancer syndrome. Last evaluated: 2024-04-11. Review status: criteria provided, single submitter. Criteria: Invitae Variant Classification Sherloc (09022015). Collection method: clinical testing. Allele origin: germline.
Comment: This sequence change replaces histidine, which is basic and polar, with glutamine, which is neutral and polar, at codon 1195 of the BRCA1 protein (p.His1195Gln). This variant is not present in population databases (gnomAD no frequency). This variant has not been reported in the literature in individuals affected with BRCA1-related conditions. ClinVar contains an entry for this variant (Variation ID: 946048). Advanced modeling of protein sequence and biophysical properties (such as structural, functional, and spatial information, amino acid conservation, physicochemical variation, residue mobility, and thermodynamic stability) performed at Invitae indicates that this missense variant is not expected to disrupt BRCA1 protein function with a negative predictive value of 95%. In summary, the available evidence is currently insufficient to determine the role of this variant in disease. Therefore, it has been classified as a Variant of Uncertain Significance.

University of Washington Department of Laboratory Medicine, University of Washington
Classification: Likely benign for Hereditary cancer-predisposing syndrome. Last evaluated: 2023-03-23. Review status: criteria provided, single submitter. Criteria: Dines et al. (Genet Med. 2020). Collection method: curation. Allele origin: germline.
Comment: Missense variant in a coldspot region where missense variants are very unlikely to be pathogenic (PMID:31911673).

BRCA1 coldspot (exon 11 using historical exon numbering). Reclassification based on statistical prior probability

Color Diagnostics, LLC DBA Color Health
Classification: Uncertain significance for Hereditary cancer-predisposing syndrome. Last evaluated: 2020-08-24. Review status: criteria provided, single submitter. Criteria: ACMG Guidelines, 2015. Collection method: clinical testing. Allele origin: germline.
Comment: This missense variant replaces histidine with glutamine at codon 1195 of the BRCA1 protein. Computational prediction suggests that this variant may not impact protein structure and function (internally defined REVEL score threshold <= 0.5, PMID: 27666373). To our knowledge, functional studies have not been reported for this variant. This variant has not been reported in individuals affected with hereditary cancer in the literature. This variant has not been identified in the general population by the Genome Aggregation Database (gnomAD). The available evidence is insufficient to determine the role of this variant in disease conclusively. Therefore, this variant is classified as a Variant of Uncertain Significance.

Literature cited by the submitters: PubMed 31911673 (cited by Quest Diagnostics Nichols Institute San Juan Capistrano).

NM_007294.4(BRCA1):c.3585T>A (p.His1195Gln)

Genes: BRCA1 (BRCA1 DNA repair associated; minus strand), LOC126862571 (BRD4-independent group 4 enhancer GRCh37_chr17:41243136-41244335; plus strand). Cytogenetic location: 17q21.31.
Variant type: single nucleotide variant.
Coding change: c.3585T>A on transcript NM_007294.4 (MANE Select); coding-DNA position 3585, T replaced by A.
Protein change: p.His1195Gln; replaces histidine 1195 with glutamine.
Molecular consequence: missense variant. On other transcripts: intron variant (135).
Genome position (GRCh38, 1-based): chr17:43,091,946, A>T on the plus strand (T>A on the coding strand, the complement: BRCA1 is on the minus strand). VCF-style: chr17-43091946-A-T. GRCh37 (hg19) VCF-style: chr17-41243963-A-T.
Other names: c.3372T>A, p.His1124Gln (NM_001407571.1, NM_001407853.1, NM_001407894.1 and 9 more transcripts); c.3585T>A, p.His1195Gln (NM_001407581.1, NM_001407582.1, NM_001407583.1 and 30 more transcripts); c.3582T>A, p.His1194Gln (NM_001407587.1, NM_001407590.1, NM_001407591.1 and 22 more transcripts); c.3576T>A, p.His1192Gln (NM_001407646.1, NM_001407647.1); c.3462T>A, p.His1154Gln (NM_001407648.1, NM_001407664.1, NM_001407665.1 and 19 more transcripts); c.3459T>A, p.His1153Gln (NM_001407649.1, NM_001407670.1, NM_001407671.1 and 11 more transcripts); c.3507T>A, p.His1169Gln (NM_001407653.1, NM_001407654.1, NM_001407655.1 and 4 more transcripts); c.3504T>A, p.His1168Gln (NM_001407659.1, NM_001407660.1, NM_001407661.1 and 1 more transcripts); and 41 more; short protein forms H1148Q, H1195Q, H1068Q, H1083Q, H1084Q, H1124Q, H1147Q, H1067Q.
Identifiers: ClinVar variation 946048 (VCV000946048.20), dbSNP rs2053561125, ClinGen allele CA10594794.